The following is an entry in ClinVar:

ClinVar aggregate classification (germline): Uncertain significance. Review status: criteria provided, multiple submitters, no conflicts (2 of 4 stars). 3 submissions from 3 submitters: Uncertain significance (3). Last evaluated 2025-08-08.

Conditions:
Peroxisome biogenesis disorder 11A (Zellweger). Also called: Peroxisome biogenesis disorder 11A. Identifiers: Orphanet 912, MedGen C3554000, MONDO:0013949, OMIM 614883.
Inborn genetic diseases. Identifiers: MedGen C0950123, MeSH D030342.

Allele frequency attached by ClinVar (database versions not stated): gnomAD 0.00001; TOPMed 0.00001; ExAC 0.00002; gnomAD exomes 0.00004.
gnomAD v4.1: 13 of 1,614,058 alleles (0.00081%); highest among the groups gnomAD compares: Admixed American, 0.02%; no homozygotes.

Submissions (3):

Ambry Genetics
Classification: Uncertain significance for Inborn genetic diseases. Last evaluated: 2025-08-08. Review status: criteria provided, single submitter. Criteria: Ambry Variant Classification Scheme 2023. Collection method: clinical testing. Allele origin: germline.

Labcorp Genetics (formerly Invitae), Labcorp
Classification: Uncertain significance for Peroxisome biogenesis disorder 11A (Zellweger). Last evaluated: 2022-10-16. Review status: criteria provided, single submitter. Criteria: Invitae Variant Classification Sherloc (09022015). Collection method: clinical testing. Allele origin: germline.
Comment: This sequence change replaces glycine, which is neutral and non-polar, with aspartic acid, which is acidic and polar, at codon 204 of the PEX13 protein (p.Gly204Asp). This variant is present in population databases (rs752948360, gnomAD 0.03%). This variant has not been reported in the literature in individuals affected with PEX13-related conditions. ClinVar contains an entry for this variant (Variation ID: 594431). Advanced modeling of protein sequence and biophysical properties (such as structural, functional, and spatial information, amino acid conservation, physicochemical variation, residue mobility, and thermodynamic stability) performed at Invitae indicates that this missense variant is not expected to disrupt PEX13 protein function. In summary, the available evidence is currently insufficient to determine the role of this variant in disease. Therefore, it has been classified as a Variant of Uncertain Significance.

Eurofins Ntd Llc (ga)
Classification: Uncertain significance. Last evaluated: 2017-10-06. Review status: criteria provided, single submitter. Criteria: EGL Classification Definitions 2015. Collection method: clinical testing. Allele origin: germline. Observed: 2 variant alleles, 2 heterozygotes.

NM_002618.4(PEX13):c.611G>A (p.Gly204Asp)

Gene: PEX13 (peroxisomal biogenesis factor 13; plus strand). Cytogenetic location: 2p15.
Variant type: single nucleotide variant.
Coding change: c.611G>A on transcript NM_002618.4 (MANE Select); coding-DNA position 611, G replaced by A.
Protein change: p.Gly204Asp; replaces glycine 204 with aspartic acid.
Molecular consequence: missense variant.
Genome position (GRCh38, 1-based): chr2:61,031,937, G>A. VCF-style: chr2-61031937-G-A. GRCh37 (hg19) VCF-style: chr2-61259072-G-A.
Other names: c.611G>A (NM_002618.3); short protein forms G204D.
Identifiers: ClinVar variation 594431 (VCV000594431.11), dbSNP rs752948360, ClinGen allele CA1673324.